The following is an entry in ClinVar:

NM_001127222.2(CACNA1A):c.3649A>G (p.Met1217Val)

Gene: CACNA1A (calcium voltage-gated channel subunit alpha1 A; minus strand). Cytogenetic location: 19p13.13.
Variant type: single nucleotide variant.
Coding change: c.3649A>G on transcript NM_001127222.2 (MANE Select); coding-DNA position 3649, A replaced by G.
Protein change: p.Met1217Val; replaces methionine 1217 with valine.
Molecular consequence: missense variant.
Genome position (GRCh38, 1-based): chr19:13,285,111, T>C on the plus strand (A>G on the coding strand, the complement: CACNA1A is on the minus strand). VCF-style: chr19-13285111-T-C. GRCh37 (hg19) VCF-style: chr19-13395925-T-C.
Other names: c.3661A>G, p.Met1221Val (NM_000068.4, NM_023035.3); c.3652A>G, p.Met1218Val (NM_001127221.2, NM_001174080.2); short protein forms M1218V, M1217V, M1221V.
Identifiers: ClinVar variation 422133 (VCV000422133.12), dbSNP rs372017604, ClinGen allele CA9240245.

ClinVar aggregate classification (germline): Conflicting classifications of pathogenicity. Review status: criteria provided, conflicting classifications (1 of 4 stars). 3 submissions from 3 submitters: Uncertain significance (1); Likely benign (2). Last evaluated 2025-10-28.

Conditions:
Episodic ataxia type 2 (EA2). Also called: ATAXIA, EPISODIC, WITH NYSTAGMUS; ATAXIA, FAMILIAL PAROXYSMAL; CEREBELLAR ATAXIA, PAROXYSMAL, ACETAZOLAMIDE-RESPONSIVE; CEREBELLOPATHY, HEREDITARY PAROXYSMAL; EPISODIC ATAXIA, NYSTAGMUS-ASSOCIATED; ACETAZOLAMIDE-RESPONSIVE HEREDITARY PAROXYSMAL CEREBELLAR ATAXIA. Identifiers: Orphanet 97, MedGen C1720416, MONDO:0007163, OMIM 108500.
Developmental and epileptic encephalopathy, 42 (DEE42A). Also called: Epileptic encephalopathy, early infantile, 42; DEVELOPMENTAL AND EPILEPTIC ENCEPHALOPATHY 42A; EPILEPTIC ENCEPHALOPATHY, EARLY INFANTILE, 42A. Identifiers: MedGen C4310716, MONDO:0014917, OMIM 617106.

Allele frequency attached by ClinVar (database versions not stated): ExAC 0.00001; gnomAD exomes 0.00001 and 0.00002; gnomAD 0.00005 and 0.00006; ESP Exome Variant Server 0.00008; TOPMed 0.00008.

Submissions (3):

Labcorp Genetics (formerly Invitae), Labcorp
Classification: Likely benign for Developmental and epileptic encephalopathy, 42; Episodic ataxia type 2. Last evaluated: 2025-10-28. Review status: criteria provided, single submitter. Criteria: Invitae Variant Classification Sherloc (09022015). Collection method: clinical testing. Allele origin: germline.

Athena Diagnostics
Classification: Uncertain significance. Last evaluated: 2022-06-15. Review status: criteria provided, single submitter. Criteria: Athena Diagnostics Criteria. Collection method: clinical testing. Allele origin: unknown.

GeneDx
Classification: Likely benign. Last evaluated: 2021-04-14. Review status: criteria provided, single submitter. Criteria: GeneDx Variant Classification Process June 2021. Collection method: clinical testing. Allele origin: germline. Affected: yes.
Comment: In silico analysis supports that this missense variant does not alter protein structure/function; Has not been previously published as pathogenic or benign to our knowledge